The following is an entry in ClinVar:

ClinVar aggregate classification (germline): Uncertain significance (1 of 4 stars; one submission).

Conditions:
Cardiovascular phenotype. Identifiers: MedGen CN230736.

Submission:

Ambry Genetics
Classification: Uncertain significance for Cardiovascular phenotype. Last evaluated: 2026-04-20. Review status: criteria provided, single submitter. Criteria: Ambry Variant Classification Scheme 2023. Collection method: clinical testing. Allele origin: germline.
Comment: The p.D3896Y variant (also known as c.11686G>T), located in coding exon 87 of the RYR2 gene, results from a G to T substitution at nucleotide position 11686. The aspartic acid at codon 3896 is replaced by tyrosine, an amino acid with highly dissimilar properties. This amino acid position is conserved. In addition, this alteration is predicted to be deleterious by in silico analysis. Based on the available evidence, the clinical significance of this variant remains unclear.

NM_001035.3(RYR2):c.11686G>T (p.Asp3896Tyr)

Gene: RYR2 (ryanodine receptor 2; plus strand). Cytogenetic location: 1q43.
Variant type: single nucleotide variant.
Coding change: c.11686G>T on transcript NM_001035.3 (MANE Select); coding-DNA position 11686, G replaced by T.
Protein change: p.Asp3896Tyr; replaces aspartic acid 3896 with tyrosine.
Molecular consequence: missense variant.
Genome position (GRCh38, 1-based): chr1:237,773,559, G>T. VCF-style: chr1-237773559-G-T. GRCh37 (hg19) VCF-style: chr1-237936859-G-T.
Other names: short protein forms D3896Y.
Identifiers: ClinVar variation 4863712 (VCV004863712.1).